The following is an entry in ClinVar:

NM_001401501.2(MUC16):c.44589T>C (p.His14863=)

Gene: MUC16 (mucin 16, cell surface associated; minus strand). Cytogenetic location: 19p13.2.
Variant type: single nucleotide variant.
Coding change: c.44589T>C on transcript NM_001401501.2 (MANE Select); coding-DNA position 44589, T replaced by C.
Protein change: p.His14863=; no amino-acid change (histidine 14863 retained).
Molecular consequence: synonymous variant.
Genome position (GRCh38, 1-based): chr19:8,871,536, A>G on the plus strand (T>C on the coding strand, the complement: MUC16 is on the minus strand). VCF-style: chr19-8871536-A-G. GRCh37 (hg19) VCF-style: chr19-8982212-A-G.
Other names: c.45015T>C, p.His15005= (NM_001414686.1); c.44469T>C, p.His14823= (NM_001414687.1); c.42063T>C, p.His14021= (NM_024690.2).
Identifiers: ClinVar variation 3056808 (VCV003056808.2), dbSNP rs78717907, ClinGen allele CA9162535.
Genomic context (GRCh38, chr19:8,871,536, plus strand): 5'-CTCACCGTTAAGGTAGAGGCTGTCTTTGTCCAGAGAGTAGGGGCCCAGCCGGGTGATGCC[A>G]TGGGTCTGCTGGCTCAGCTCATGGAACACCTGCTTGATAGGCAGACCTGGGCCGCTGAGG-3'
Protein context (NP_001388430.1, residues 14853-14873): QVFHELSQQT[His14863=]GITRLGPYSL

ClinVar aggregate classification (germline): Benign (0 of 4 stars; one submission).

Conditions:
MUC16-related disorder. Also called: MUC16-related condition.

Allele frequency attached by ClinVar (database versions not stated): 1000 Genomes Project 30x 0.01765; 1000 Genomes Project 0.01777; gnomAD 0.02253; TOPMed 0.02294; ESP Exome Variant Server 0.02608.

Submission:

PreventionGenetics, part of Exact Sciences
Classification: Benign for MUC16-related condition. Last evaluated: 2019-06-28. Review status: no assertion criteria provided. Collection method: clinical testing. Allele origin: germline.
Comment: This variant is classified as benign based on ACMG/AMP sequence variant interpretation guidelines (Richards et al. 2015 PMID: 25741868, with internal and published modifications).